The following is an entry in ClinVar:

ClinVar aggregate classification (germline): Conflicting classifications of pathogenicity. Review status: criteria provided, conflicting classifications (1 of 4 stars). 7 submissions from 7 submitters: Uncertain significance (4); Likely benign (2). 1 of the submissions does not count toward it. Last evaluated 2026-02-04.

Conditions:
LAMB3-related disorder. Also called: LAMB3-related condition.
Junctional epidermolysis bullosa gravis of Herlitz. Also called: Epidermolysis Bullosa Letalis; EPIDERMOLYSIS BULLOSA, JUNCTIONAL 1B, SEVERE; EPIDERMOLYSIS BULLOSA JUNCTIONALIS, HERLITZ TYPE; EPIDERMOLYSIS BULLOSA, JUNCTIONAL, HERLITZ-PEARSON TYPE; JEB-HERLITZ TYPE; Herlitz-type junctional epidermolysis bullosa. Identifiers: Orphanet 79404, MedGen C0079683, MONDO:0009182, OMIM 226700.
Junctional epidermolysis bullosa, non-Herlitz type. Also called: Adult junctional epidermolysis bullosa; COL17A1-Related Junctional Epidermolysis Bullosa; Epidermolysis bullosa, junctional, non-herlitz type, somatic mosaic revertant; EPIDERMOLYSIS BULLOSA, JUNCTIONAL 1A, INTERMEDIATE; EPIDERMOLYSIS BULLOSA JUNCTIONALIS, DISENTIS TYPE; EPIDERMOLYSIS BULLOSA JUNCTIONALIS, NON-HERLITZ TYPE. Identifiers: Orphanet 251393, Orphanet 79402, Orphanet 79405, Orphanet 89840, MedGen C0268374, MONDO:0009180, OMIM 226650.
Amelogenesis imperfecta type 1A. Also called: Amelogenesis imperfecta, hypoplastic type; Amelogenesis imperfecta, type IA; AMELOGENESIS IMPERFECTA, HYPOPLASTIC TYPE IA; Amelogenesis imperfecta local hypoplastic. Identifiers: Orphanet 88661, MedGen C4011403, MONDO:0007094, OMIM 104530.
Junctional epidermolysis bullosa. Identifiers: Orphanet 305, MedGen C0079301, MONDO:0017612.

Allele frequency attached by ClinVar (database versions not stated): TOPMed 0.00093; 1000 Genomes Project 30x 0.00094; gnomAD exomes 0.00094 and 0.00147; 1000 Genomes Project 0.00100; ExAC 0.00100; gnomAD 0.00107; ESP Exome Variant Server 0.00115.
gnomAD v4.1: 2,295 of 1,614,190 alleles (0.14%); highest among the groups gnomAD compares: Non-Finnish European, 0.18%; 2 homozygotes.

Submissions (7):

Labcorp Genetics (formerly Invitae), Labcorp
Classification: Likely benign. Last evaluated: 2026-02-04. Review status: criteria provided, single submitter. Criteria: Invitae Variant Classification Sherloc (09022015). Collection method: clinical testing. Allele origin: germline.

CeGaT Center for Human Genetics Tuebingen
Classification: Uncertain significance. Last evaluated: 2024-07-01. Review status: criteria provided, single submitter. Criteria: CeGaT Center For Human Genetics Tuebingen Variant Classification Criteria Version 2. Collection method: clinical testing. Allele origin: germline. Affected: yes. Observed: 1 variant allele.
Comment: LAMB3: PM2:Supporting, PM3:Supporting, BP4

Department of Pathology and Laboratory Medicine, Sinai Health System
Classification: Uncertain significance for Amelogenesis imperfecta type 1A; Junctional epidermolysis bullosa, non-Herlitz type; Junctional epidermolysis bullosa gravis of Herlitz. Last evaluated: 2022-02-22. Review status: criteria provided, single submitter. Criteria: ACMG Guidelines, 2015. Collection method: research. Allele origin: germline.

Genome-Nilou Lab
Classification: Likely benign for Junctional epidermolysis bullosa gravis of Herlitz. Last evaluated: 2021-05-18. Review status: criteria provided, single submitter. Criteria: ACMG Guidelines, 2015. Collection method: clinical testing. Allele origin: germline. Affected: no.

Revvity Omics, Revvity
Classification: Uncertain significance. Last evaluated: 2019-07-26. Review status: criteria provided, single submitter. Criteria: ACMG Guidelines, 2015. Collection method: clinical testing. Allele origin: germline.

Illumina Laboratory Services, Illumina
Classification: Uncertain significance for Junctional epidermolysis bullosa. Last evaluated: 2018-01-12. Review status: criteria provided, single submitter. Criteria: ICSL Variant Classification Criteria 13 December 2019. Collection method: clinical testing. Allele origin: germline.

PreventionGenetics, part of Exact Sciences
Classification: Likely benign for LAMB3-related condition. Last evaluated: 2022-03-24. Review status: no assertion criteria provided. Collection method: clinical testing. Allele origin: germline. Not counted in ClinVar's aggregate classification.
Comment: This variant is classified as likely benign based on ACMG/AMP sequence variant interpretation guidelines (Richards et al. 2015 PMID: 25741868, with internal and published modifications).

NM_000228.3(LAMB3):c.1051G>A (p.Glu351Lys)

Gene: LAMB3 (laminin subunit beta 3; minus strand). Cytogenetic location: 1q32.2.
Variant type: single nucleotide variant.
Coding change: c.1051G>A on transcript NM_000228.3 (MANE Select); coding-DNA position 1051, G replaced by A.
Protein change: p.Glu351Lys; replaces glutamic acid 351 with lysine.
Molecular consequence: missense variant.
Genome position (GRCh38, 1-based): chr1:209,629,818, C>T on the plus strand (G>A on the coding strand, the complement: LAMB3 is on the minus strand). VCF-style: chr1-209629818-C-T. GRCh37 (hg19) VCF-style: chr1-209803163-C-T.
Other names: c.1051G>A, p.Glu351Lys (NM_001017402.2, NM_001127641.1); short protein forms E351K.
Identifiers: ClinVar variation 295116 (VCV000295116.39), dbSNP rs114875539, ClinGen allele CA1375710.